The following is an entry in ClinVar:

ClinVar aggregate classification (germline): Uncertain significance (1 of 4 stars; one submission).

Conditions:
Cystic fibrosis (CF). Also called: MUCOVISCIDOSIS. Identifiers: Orphanet 586, MedGen C0010674, MONDO:0009061, OMIM 219700. Disease mechanism: loss of function.

Submission:

Ambry Genetics
Classification: Uncertain significance for Cystic fibrosis. Last evaluated: 2025-01-10. Review status: criteria provided, single submitter. Criteria: Ambry Variant Classification Scheme 2023. Collection method: clinical testing. Allele origin: germline.
Comment: The p.Q634H variant (also known as c.1902A>C), located in coding exon 14 of the CFTR gene, results from an A to C substitution at nucleotide position 1902. The glutamine at codon 634 is replaced by histidine, an amino acid with highly similar properties. This amino acid position is conserved. In addition, this alteration is predicted to be deleterious by in silico analysis. Since supporting evidence is limited at this time, the clinical significance of this alteration remains unclear.

NM_000492.4(CFTR):c.1902A>C (p.Gln634His)

Gene: CFTR (CF transmembrane conductance regulator; plus strand). Cytogenetic location: 7q31.2.
Variant type: single nucleotide variant.
Coding change: c.1902A>C on transcript NM_000492.4 (MANE Select); coding-DNA position 1902, A replaced by C.
Protein change: p.Gln634His; replaces glutamine 634 with histidine.
Molecular consequence: missense variant.
Genome position (GRCh38, 1-based): chr7:117,592,069, A>C. VCF-style: chr7-117592069-A-C. GRCh37 (hg19) VCF-style: chr7-117232123-A-C.
Other names: short protein forms Q634H.
Identifiers: ClinVar variation 1782317 (VCV001782317.3), dbSNP rs2116030586, ClinGen allele CA368978721.